The following is an entry in ClinVar:

ClinVar aggregate classification (germline): Pathogenic. Review status: criteria provided, single submitter (1 of 4 stars). 2 submissions from 2 submitters: Pathogenic (1). 1 of the submissions does not count toward it. Last evaluated 2025-03-27.

Conditions:
Stickler syndrome type 1 (STL1). Also called: ARTHROOPHTHALMOPATHY, HEREDITARY PROGRESSIVE; STICKLER SYNDROME, MEMBRANOUS VITREOUS TYPE; STICKLER SYNDROME, VITREOUS TYPE 1; COL2A1-Related Stickler Syndrome. Identifiers: Orphanet 828, Orphanet 90653, MedGen C2020284, MONDO:0007160, OMIM 108300.

Submissions (2):

GeneDx
Classification: Pathogenic. Last evaluated: 2025-03-27. Review status: criteria provided, single submitter. Criteria: GeneDx Variant Classification Process June 2021. Collection method: clinical testing. Allele origin: germline. Affected: yes.
Comment: Damages or destroys the splice acceptor site in intron 10, and is expected to cause abnormal gene splicing; if the splice outcome is exon skip, the loss of the encoded residues in the triple helical region is expected to disrupt normal protein folding and function, and this is an established mechanism of disease (HGMD); Not observed at significant frequency in large population cohorts (gnomAD); This variant is associated with the following publications: (PMID: 25525159, 26626311, 16189708, 32427345)

OMIM
Classification: Pathogenic for STICKLER SYNDROME, TYPE I. Last evaluated: 2005-11-01. Review status: no assertion criteria provided. Collection method: literature only. Allele origin: germline. Not counted in ClinVar's aggregate classification.

Literature cited by the submitters: PubMed 16189708 (cited by OMIM).

NM_001844.5(COL2A1):c.709-2A>G

Gene: COL2A1 (collagen type II alpha 1 chain; minus strand). Cytogenetic location: 12q13.11.
Variant type: single nucleotide variant.
Coding change: c.709-2A>G on transcript NM_001844.5 (MANE Select); the canonical splice acceptor site of the intron before coding-DNA position 709, A replaced by G.
Molecular consequence: splice acceptor variant.
Genome position (GRCh38, 1-based): chr12:47,995,310, T>C on the plus strand (A>G on the coding strand, the complement: COL2A1 is on the minus strand). VCF-style: chr12-47995310-T-C. GRCh37 (hg19) VCF-style: chr12-48389093-T-C.
Other names: IVS10AS, A-G, -2; c.502-2A>G (NM_033150.3).
Identifiers: ClinVar variation 17398 (VCV000017398.2), dbSNP rs1592232116, ClinGen allele CA384523481.